The following is an entry in ClinVar:

ClinVar aggregate classification (germline): Conflicting classifications of pathogenicity. Review status: criteria provided, conflicting classifications (1 of 4 stars). 2 submissions from 2 submitters: Likely pathogenic (1); Uncertain significance (1). Last evaluated 2025-11-17.

Conditions:
Congenital sideroblastic anemia-B-cell immunodeficiency-periodic fever-developmental delay syndrome. Also called: Sideroblastic anemia with B-cell immunodeficiency, periodic fevers, and developmental delay. Identifiers: Orphanet 369861, MedGen C4015172, MONDO:0014487, OMIM 616084.
TRNT1-related disorder. Also called: TRNT1-related disorders; TRNT1-related condition.

Allele frequency attached by ClinVar (database versions not stated): gnomAD 0.00002; TOPMed 0.00002.

Submissions (2):

Labcorp Genetics (formerly Invitae), Labcorp
Classification: Uncertain significance for Congenital sideroblastic anemia-B-cell immunodeficiency-periodic fever-developmental delay syndrome. Last evaluated: 2025-11-17. Review status: criteria provided, single submitter. Criteria: Invitae Variant Classification Sherloc (09022015). Collection method: clinical testing. Allele origin: germline.
Comment: This sequence change replaces alanine, which is neutral and non-polar, with proline, which is neutral and non-polar, at codon 65 of the TRNT1 protein (p.Ala65Pro). This variant is present in population databases (no rsID available, gnomAD 0.007%). This missense change has been observed in individual(s) with clinical features of TRNT1-related conditions (PMID: 38219857; internal data). In at least one individual the data is consistent with being in trans (on the opposite chromosome) from a pathogenic variant. ClinVar contains an entry for this variant (Variation ID: 1044848). Invitae Evidence Modeling of protein sequence and biophysical properties (such as structural, functional, and spatial information, amino acid conservation, physicochemical variation, residue mobility, and thermodynamic stability) has been performed for this missense variant. However, the output from this modeling did not meet the statistical confidence thresholds required to predict the impact of this variant on TRNT1 protein function. In summary, the available evidence is currently insufficient to determine the role of this variant in disease. Therefore, it has been classified as a Variant of Uncertain Significance.

Blueprint Genetics
Classification: Likely pathogenic for TRNT1-related disorders. Last evaluated: 2022-08-09. Review status: criteria provided, single submitter. Criteria: ACMG Guidelines, 2015. Collection method: clinical testing. Allele origin: germline. Affected: yes. Observed: 5 variant alleles.

Literature cited by the submitters: PubMed 38219857 (cited by Labcorp Genetics (formerly Invitae), Labcorp).

NM_182916.3(TRNT1):c.193G>C (p.Ala65Pro)

Gene: TRNT1 (tRNA nucleotidyl transferase 1; plus strand). Cytogenetic location: 3p26.2.
Variant type: single nucleotide variant.
Coding change: c.193G>C on transcript NM_182916.3 (MANE Select); coding-DNA position 193, G replaced by C.
Protein change: p.Ala65Pro; replaces alanine 65 with proline.
Molecular consequence: missense variant. On other transcripts: non-coding transcript variant (8).
Genome position (GRCh38, 1-based): chr3:3,137,304, G>C. VCF-style: chr3-3137304-G-C. GRCh37 (hg19) VCF-style: chr3-3178988-G-C.
Other names: c.193G>C, p.Ala65Pro (NM_001302946.2, NM_001367321.1, NM_001367322.1 and 1 more transcripts); short protein forms A65P.
Identifiers: ClinVar variation 1044848 (VCV001044848.5), dbSNP rs1354319879, ClinGen allele CA351443011.